The following is an entry in ClinVar:

ClinVar aggregate classification (germline): Uncertain significance (1 of 4 stars; one submission).

Conditions:
Birt-Hogg-Dube syndrome. Also called: Birt Hogg Dubé syndrome. Identifiers: Orphanet 122, MedGen C0346010, MONDO:0800444.

Submission:

Labcorp Genetics (formerly Invitae), Labcorp
Classification: Uncertain significance for Birt-Hogg-Dube syndrome. Last evaluated: 2019-05-28. Review status: criteria provided, single submitter. Criteria: Invitae Variant Classification Sherloc (09022015). Collection method: clinical testing. Allele origin: germline.
Comment: In summary, the available evidence is currently insufficient to determine the role of this variant in disease. Therefore, it has been classified as a Variant of Uncertain Significance. Algorithms developed to predict the effect of missense changes on protein structure and function are either unavailable or do not agree on the potential impact of this missense change (SIFT: "Tolerated"; PolyPhen-2: "Possibly Damaging"; Align-GVGD: "Class C0"). This variant has not been reported in the literature in individuals with FLCN-related conditions. This variant is not present in population databases (ExAC no frequency). This sequence change replaces aspartic acid with asparagine at codon 545 of the FLCN protein (p.Asp545Asn). The aspartic acid residue is highly conserved and there is a small physicochemical difference between aspartic acid and asparagine.

NM_144997.7(FLCN):c.1633G>A (p.Asp545Asn)

Gene: FLCN (folliculin; minus strand). Cytogenetic location: 17p11.2.
Variant type: single nucleotide variant.
Coding change: c.1633G>A on transcript NM_144997.7 (MANE Select); coding-DNA position 1633, G replaced by A.
Protein change: p.Asp545Asn; replaces aspartic acid 545 with asparagine.
Molecular consequence: missense variant.
Genome position (GRCh38, 1-based): chr17:17,213,762, C>T on the plus strand (G>A on the coding strand, the complement: FLCN is on the minus strand). VCF-style: chr17-17213762-C-T. GRCh37 (hg19) VCF-style: chr17-17117076-C-T.
Other names: c.1687G>A, p.Asp563Asn (NM_001353229.2); c.1633G>A, p.Asp545Asn (NM_001353230.2, NM_001353231.2); short protein forms D545N, D563N.
Identifiers: ClinVar variation 936477 (VCV000936477.7), dbSNP rs2046820384, ClinGen allele CA398529974.